The following is an entry in ClinVar:

NM_000334.4(SCN4A):c.*2169C>G

Genes: GH-LCR (growth hormone locus control region; plus strand), SCN4A (sodium voltage-gated channel alpha subunit 4; minus strand). Cytogenetic location: 17q23.3.
Variant type: single nucleotide variant.
Coding change: c.*2169C>G on transcript NM_000334.4 (MANE Select); 2169 bases downstream of the stop codon, C replaced by G.
Molecular consequence: 3 prime UTR variant.
Genome position (GRCh38, 1-based): chr17:63,938,602, G>C on the plus strand (C>G on the coding strand, the complement: SCN4A is on the minus strand). VCF-style: chr17-63938602-G-C. GRCh37 (hg19) VCF-style: chr17-62015962-G-C.
Identifiers: ClinVar variation 324464 (VCV000324464.5), dbSNP rs191754378, ClinGen allele CA10646416.

ClinVar aggregate classification (germline): Conflicting classifications of pathogenicity. Review status: criteria provided, conflicting classifications (1 of 4 stars). 5 submissions from 1 submitter: Uncertain significance (1); Benign (4). Last evaluated 2018-01-13.

Conditions:
Congenital myasthenic syndrome 16. Identifiers: Orphanet 590, MedGen C3280112, MONDO:0013620, OMIM 614198.
Paramyotonia congenita of Von Eulenburg. Also called: Paramyotonia Congenita; PARALYSIS PERIODICA PARAMYOTONICA; Eulenburg disease; Myotonia congenita intermittens; Von Eulenburg paramyotonia congenita. Identifiers: Orphanet 684, MedGen C0221055, MONDO:0008195, OMIM 168300. Disease mechanism: loss of function.
Hypokalemic periodic paralysis, type 2 (HOKPP2). Identifiers: Orphanet 681, MedGen C2750061, MONDO:0013234, OMIM 613345.
Potassium-aggravated myotonia. Also called: Myotonia congenita, atypical, acetazolamide-responsive; MYOTONIA CONGENITA, ACETAZOLAMIDE-RESPONSIVE; MYOTONIA CONGENITA, ATYPICAL; SODIUM CHANNEL MUSCLE DISEASE. Identifiers: Orphanet 612, Orphanet 99734, Orphanet 99735, Orphanet 99736, MedGen C2931826, MONDO:0018959, OMIM 608390.
Hyperkalemic periodic paralysis. Also called: Familial hyperkalemic periodic paralysis; Gamstorp disease. Identifiers: Orphanet 682, MedGen C0238357, MONDO:0008224, OMIM 170500, HP:0007215.

Allele frequency attached by ClinVar (database versions not stated): 1000 Genomes Project 30x 0.00031; 1000 Genomes Project 0.00040.

Submissions (5):

Illumina Laboratory Services, Illumina
Classification: Benign for Hypokalemic periodic paralysis, type 2. Last evaluated: 2018-01-13. Review status: criteria provided, single submitter. Criteria: ICSL Variant Classification Criteria 13 December 2019. Collection method: clinical testing. Allele origin: germline.
Comment: This variant was observed in the ICSL laboratory as part of a predisposition screen in an ostensibly healthy population. It had not been previously curated by ICSL or reported in the Human Gene Mutation Database (HGMD: prior to June 1st, 2018), and was therefore a candidate for classification through an automated scoring system. Utilizing variant allele frequency, disease prevalence and penetrance estimates, and inheritance mode, an automated score was calculated to assess if this variant is too frequent to cause the disease. Based on the score and internal cut-off values, a variant classified as benign is not then subjected to further curation. The score for this variant resulted in a classification of benign for this disease.

Illumina Laboratory Services, Illumina
Classification: Uncertain significance for Congenital myasthenic syndrome 16. Last evaluated: 2018-01-13. Review status: criteria provided, single submitter. Criteria: ICSL Variant Classification Criteria 13 December 2019. Collection method: clinical testing. Allele origin: germline.

Illumina Laboratory Services, Illumina
Classification: Benign for Potassium-aggravated myotonia. Last evaluated: 2018-01-13. Review status: criteria provided, single submitter. Criteria: ICSL Variant Classification Criteria 13 December 2019. Collection method: clinical testing. Allele origin: germline.
Comment: the same text as in the submission from Illumina Laboratory Services, Illumina above.

Illumina Laboratory Services, Illumina
Classification: Benign for Hyperkalemic periodic paralysis. Last evaluated: 2018-01-13. Review status: criteria provided, single submitter. Criteria: ICSL Variant Classification Criteria 13 December 2019. Collection method: clinical testing. Allele origin: germline.
Comment: the same text as in the submission from Illumina Laboratory Services, Illumina above.

Illumina Laboratory Services, Illumina
Classification: Benign for Paramyotonia congenita of Von Eulenburg. Last evaluated: 2018-01-13. Review status: criteria provided, single submitter. Criteria: ICSL Variant Classification Criteria 13 December 2019. Collection method: clinical testing. Allele origin: germline.
Comment: the same text as in the submission from Illumina Laboratory Services, Illumina above.